The following is an entry in ClinVar:

ClinVar aggregate classification (germline): Likely pathogenic. Review status: criteria provided, multiple submitters, no conflicts (2 of 4 stars). 2 submissions from 2 submitters: Likely pathogenic (2). Last evaluated 2025-10-07.

Conditions:
Hereditary fructosuria. Also called: Hereditary fructose intolerance; Fructose intolerance; ALDOB DEFICIENCY; ALDOLASE B DEFICIENCY; FRUCTOSE-1,6-BISPHOSPHATE ALDOLASE B DEFICIENCY; FRUCTOSE-1-PHOSPHATE ALDOLASE DEFICIENCY. Identifiers: Orphanet 469, MedGen C0016751, MONDO:0009249, OMIM 229600, HP:0005973. Disease mechanism: loss of function.

Submissions (2):

Myriad Genetics, Inc.
Classification: Likely pathogenic for Hereditary fructosuria. Last evaluated: 2025-10-07. Review status: criteria provided, single submitter. Criteria: Myriad Autosomal Dominant, Autosomal Recessive and X-Linked Classification Criteria (2023). Collection method: clinical testing. Allele origin: unknown.
Comment: NM_000035.3(ALDOB):c.540+1delG is a variant in a canonical splice site classified as likely pathogenic in the context of hereditary fructose intolerance. c.540+1delG has not been observed in cases with relevant disease. Relevant functional assessments of this variant are not available in the literature. c.540+1delG has not been observed in referenced population frequency databases. In summary, NM_000035.3(ALDOB):c.540+1delG is a variant in a canonical splice site in a gene where loss of function is a known mechanism of disease and is predicted to disrupt protein function. Please note: this variant was assessed in the context of healthy population screening.

Natera, Inc.
Classification: Likely pathogenic for Fructose intolerance. Last evaluated: 2025-07-02. Review status: criteria provided, single submitter. Criteria: Natera Variant Classification Schema (03/2026). Collection method: clinical testing. Allele origin: germline.
Comment: The c.540+1del variant in ALDOB is a canonical splice donor site variant predicted to affect pre-mRNA splicing, which may result in an abnormal transcript and altered protein product. This variant is expected to result in nonsense mediated decay, truncation, or a dysfunctional protein product. This variant is rare in the general population with a frequency below the threshold expected for the associated phenotype(s). Given the available evidence, this variant is classified as Likely Pathogenic.

NM_000035.4(ALDOB):c.540+1del

Gene: ALDOB (aldolase, fructose-bisphosphate B; minus strand). Cytogenetic location: 9q31.1.
Variant type: Deletion.
Coding change: c.540+1del on transcript NM_000035.4 (MANE Select); the canonical splice donor site of the intron after coding-DNA position 540, one base deleted (G; older notation c.540+1delG).
Molecular consequence: splice donor variant.
Genome position (GRCh38, 1-based): chr9:101,427,481, C deleted on the plus strand (G on the coding strand, the reverse complement: ALDOB is on the minus strand); the first of 2 consecutive C bases (chr9:101,427,481-101,427,482); deleting either gives the same sequence. VCF-style (leftmost placement, unchanged base first): chr9-101427480-AC-A. GRCh37 (hg19) VCF-style: chr9-104189762-AC-A.
Identifiers: ClinVar variation 4818117 (VCV004818117.2).